The following is an entry in ClinVar:

NM_001807.6(CEL):c.2205T>C (p.Pro735=)

Gene: CEL (carboxyl ester lipase; plus strand). Cytogenetic location: 9q34.13.
Variant type: single nucleotide variant.
Coding change: c.2205T>C on transcript NM_001807.6 (MANE Select); coding-DNA position 2205, T replaced by C.
Protein change: p.Pro735=; no amino-acid change (proline 735 retained).
Molecular consequence: synonymous variant.
Genome position (GRCh38, 1-based): chr9:133,071,707, T>C. VCF-style: chr9-133071707-T-C. GRCh37 (hg19) VCF-style: chr9-135947094-T-C.
Identifiers: ClinVar variation 4533796 (VCV004533796.6).

ClinVar aggregate classification (germline): Likely benign (1 of 4 stars; one submission).

gnomAD v4.1: 44 of 1,604,452 alleles (0.0027%); highest among the groups gnomAD compares: African/African-American, 0.033%; no homozygotes.

Submission:

CeGaT Center for Human Genetics Tuebingen
Classification: Likely benign. Last evaluated: 2025-11-01. Review status: criteria provided, single submitter. Criteria: CeGaT Center For Human Genetics Tuebingen Variant Classification Criteria Version 2. Collection method: clinical testing. Allele origin: germline. Affected: yes. Observed: 1 variant allele.
Comment: CEL: BP4, BP7